The following is an entry in ClinVar:

NM_001010874.5(TECRL):c.984G>T (p.Leu328=)

Gene: TECRL (trans-2,3-enoyl-CoA reductase like; minus strand). Cytogenetic location: 4q13.1.
Variant type: single nucleotide variant.
Coding change: c.984G>T on transcript NM_001010874.5 (MANE Select); coding-DNA position 984, G replaced by T.
Protein change: p.Leu328=; no amino-acid change (leucine 328 retained).
Molecular consequence: synonymous variant. On other transcripts: intron variant (1).
Genome position (GRCh38, 1-based): chr4:64,280,180, C>A on the plus strand (G>T on the coding strand, the complement: TECRL is on the minus strand). VCF-style: chr4-64280180-C-A. GRCh37 (hg19) VCF-style: chr4-65145898-C-A.
Other names: c.964+861G>T (NM_001363796.1).
Identifiers: ClinVar variation 3454624 (VCV003454624.2), dbSNP rs563042010.

ClinVar aggregate classification (germline): Conflicting classifications of pathogenicity. Review status: criteria provided, conflicting classifications (1 of 4 stars). 2 submissions from 2 submitters: Uncertain significance (1); Likely benign (1). Last evaluated 2025-04-09.

Conditions:
Cardiovascular phenotype. Identifiers: MedGen CN230736.

gnomAD v4.1: 3 of 1,536,682 alleles (0.0002%); highest among the groups gnomAD compares: East Asian, 0.0023%; no homozygotes.

Submissions (2):

Molecular Diagnostic Laboratory for Inherited Cardiovascular Disease, Montreal Heart Institute
Classification: Likely benign. Last evaluated: 2025-04-09. Review status: criteria provided, single submitter. Criteria: ACMG Guidelines, 2015. Collection method: clinical testing. Allele origin: germline. Affected: no.

Ambry Genetics
Classification: Uncertain significance for Cardiovascular phenotype. Last evaluated: 2024-07-15. Review status: criteria provided, single submitter. Criteria: Ambry Variant Classification Scheme 2023. Collection method: clinical testing. Allele origin: germline.
Comment: The c.984G>T variant (also known as p.L328L), located in coding exon 12 of the TECRL gene, results from a G to T substitution at nucleotide position 984. This nucleotide substitution does not change the leucine at codon 328. This nucleotide position is not well conserved in available vertebrate species. In silico splice site analysis predicts that this alteration may weaken the native splice acceptor site. Based on the available evidence, the clinical significance of this variant remains unclear.